The following is an entry in ClinVar:

ClinVar aggregate classification (germline): Uncertain significance. Review status: criteria provided, multiple submitters, no conflicts (2 of 4 stars). 2 submissions from 2 submitters: Uncertain significance (2). Last evaluated 2022-04-29.

Conditions:
Inborn genetic diseases. Identifiers: MedGen C0950123, MeSH D030342.

Submissions (2):

GeneDx
Classification: Uncertain significance. Last evaluated: 2022-04-29. Review status: criteria provided, single submitter. Criteria: GeneDx Variant Classification Process June 2021. Collection method: clinical testing. Allele origin: germline. Affected: yes.
Comment: Not observed at significant frequency in large population cohorts (gnomAD); In silico analysis supports that this missense variant has a deleterious effect on protein structure/function; Has not been previously published as pathogenic or benign to our knowledge

Ambry Genetics
Classification: Uncertain significance for Inborn genetic diseases. Last evaluated: 2021-08-02. Review status: criteria provided, single submitter. Criteria: Ambry Variant Classification Scheme 2023. Collection method: clinical testing. Allele origin: germline.

NM_001195553.2(DCX):c.103T>C (p.Cys35Arg)

Gene: DCX (doublecortin; minus strand). Cytogenetic location: Xq23.
Variant type: single nucleotide variant.
Coding change: c.103T>C on transcript NM_001195553.2 (MANE Select); coding-DNA position 103, T replaced by C.
Protein change: p.Cys35Arg; replaces cysteine 35 with arginine.
Molecular consequence: missense variant.
Genome position (GRCh38, 1-based): chrX:111,410,296, A>G on the plus strand (T>C on the coding strand, the complement: DCX is on the minus strand). VCF-style: chrX-111410296-A-G. GRCh37 (hg19) VCF-style: chrX-110653524-A-G.
Other names: c.346T>C, p.Cys116Arg (NM_000555.3); c.103T>C, p.Cys35Arg (NM_001369370.1, NM_001369371.1, NM_001369372.1 and 6 more transcripts); c.103T>C (NM_178153.2); short protein forms C116R, C35R.
Identifiers: ClinVar variation 1712796 (VCV001712796.5), dbSNP rs945410935, ClinGen allele CA414247110.